The following is an entry in ClinVar:

NM_001374736.1(DST):c.23173A>G (p.Arg7725Gly)

Gene: DST (dystonin; minus strand). Cytogenetic location: 6p12.1.
Variant type: single nucleotide variant.
Coding change: c.23173A>G on transcript NM_001374736.1 (MANE Select); coding-DNA position 23173, A replaced by G.
Protein change: p.Arg7725Gly; replaces arginine 7725 with glycine.
Molecular consequence: missense variant.
Genome position (GRCh38, 1-based): chr6:56,460,152, T>C on the plus strand (A>G on the coding strand, the complement: DST is on the minus strand). VCF-style: chr6-56460152-T-C. GRCh37 (hg19) VCF-style: chr6-56324950-T-C.
Other names: c.16744A>G, p.Arg5582Gly (NM_001144769.5); c.16330A>G, p.Arg5444Gly (NM_001144770.2); c.23101A>G, p.Arg7701Gly (NM_001374722.1); c.22102A>G, p.Arg7368Gly (NM_001374729.1); c.15844A>G, p.Arg5282Gly (NM_001374730.1); c.23128A>G, p.Arg7710Gly (NM_001374734.1); c.16192A>G, p.Arg5398Gly (NM_001386100.1); c.15232A>G, p.Arg5078Gly (NM_015548.5); and 1 more; short protein forms R5582G, R5398G, R5404G, R5444G, R7368G, R7701G, R7725G, R5078G.
Identifiers: ClinVar variation 1473779 (VCV001473779.6), dbSNP rs2152370299, ClinGen allele CA364503684.
Genomic context (GRCh38, chr6:56,460,152, plus strand): 5'-CTGCAAAAGCCATTGAAAAAAGAAAGGCACCACACTCACCAGCAAACTGTGTTCGGACTC[T>C]GGCAGCTGCAGTTGTTATCAAGCCACTGTCCTCCCCAGAGTGGAAGCCTTTCCCTGATAA-3'
Protein context (NP_001361665.1, residues 7715-7735): DSGLITTAAA[Arg7725Gly]VRTQFADSKK

ClinVar aggregate classification (germline): Uncertain significance (1 of 4 stars; one submission).

Conditions:
Hereditary sensory and autonomic neuropathy type 6. Also called: HSAN VI; Neuropathy, hereditary sensory and autonomic, type VI. Identifiers: Orphanet 314381, MedGen C3539003, MONDO:0013839, OMIM 614653.
Epidermolysis bullosa simplex 3, localized or generalized intermediate, with BP230 deficiency (EBS3). Also called: Epidermolysis bullosa simplex, autosomal recessive 2; Epidermolysis bullosa simplex due to BP230 deficiency. Identifiers: Orphanet 412181, MedGen C3809470, MONDO:0014180, OMIM 615425.

gnomAD v4.1: 1 of 1,613,666 alleles (0.000062%); highest among the groups gnomAD compares: Non-Finnish European, 0.000085%; no homozygotes.

Submission:

Labcorp Genetics (formerly Invitae), Labcorp
Classification: Uncertain significance for Epidermolysis bullosa simplex 3, localized or generalized intermediate, with BP230 deficiency; Hereditary sensory and autonomic neuropathy type 6. Last evaluated: 2021-09-08. Review status: criteria provided, single submitter. Criteria: Invitae Variant Classification Sherloc (09022015). Collection method: clinical testing. Allele origin: germline.
Comment: Experimental studies and prediction algorithms are not available or were not evaluated, and the functional significance of this variant is currently unknown. In summary, the available evidence is currently insufficient to determine the role of this variant in disease. Therefore, it has been classified as a Variant of Uncertain Significance. This variant has not been reported in the literature in individuals affected with DST-related conditions. This variant is not present in population databases (ExAC no frequency). This sequence change replaces arginine with glycine at codon 5078 of the DST protein (p.Arg5078Gly). The DST gene has multiple clinically relevant transcripts. This variant occurs in alternate transcript NM_015548.4, and corresponds to NM_001723.5:c.*155365A>G in the primary transcript.